The following is an entry in ClinVar:

NM_001013627.3(NHSL2):c.651C>T (p.Ala217=)

Gene: NHSL2 (NHS like 2; plus strand). Cytogenetic location: Xq13.1.
Variant type: single nucleotide variant.
Coding change: c.651C>T on transcript NM_001013627.3 (MANE Select); coding-DNA position 651, C replaced by T.
Protein change: p.Ala217=; no amino-acid change (alanine 217 retained).
Molecular consequence: synonymous variant.
Genome position (GRCh38, 1-based): chrX:72,134,595, C>T. VCF-style: chrX-72134595-C-T. GRCh37 (hg19) VCF-style: chrX-71354445-C-T.
Identifiers: ClinVar variation 2660899 (VCV002660899.24), dbSNP rs188232738, ClinGen allele CA10448854.

ClinVar aggregate classification (germline): Likely benign (1 of 4 stars; one submission).

Allele frequency attached by ClinVar (database versions not stated): gnomAD exomes 0.00011; ExAC 0.00056; gnomAD 0.00086; TOPMed 0.00087; 1000 Genomes Project 0.00132; 1000 Genomes Project 30x 0.00146; ESP Exome Variant Server 0.00167.
gnomAD v4.1: 219 of 1,164,478 alleles (0.019%); highest among the groups gnomAD compares: African/African-American, 0.28%; no homozygotes.

Submission:

CeGaT Center for Human Genetics Tuebingen
Classification: Likely benign. Last evaluated: 2022-09-01. Review status: criteria provided, single submitter. Criteria: CeGaT Center For Human Genetics Tuebingen Variant Classification Criteria Version 2. Collection method: clinical testing. Allele origin: germline. Affected: yes. Observed: 1 variant allele.
Comment: NHSL2: BP4, BP7